The following is an entry in ClinVar:

NM_001367624.2(ZNF469):c.6815C>T (p.Pro2272Leu)

Gene: ZNF469 (zinc finger protein 469; plus strand). Cytogenetic location: 16q24.2.
Variant type: single nucleotide variant.
Coding change: c.6815C>T on transcript NM_001367624.2 (MANE Select); coding-DNA position 6815, C replaced by T.
Protein change: p.Pro2272Leu; replaces proline 2272 with leucine.
Molecular consequence: missense variant.
Genome position (GRCh38, 1-based): chr16:88,434,285, C>T. VCF-style: chr16-88434285-C-T. GRCh37 (hg19) VCF-style: chr16-88500693-C-T.
Other names: NM_001127464.1:c.6731C>T; short protein forms P2272L.
Identifiers: ClinVar variation 2258641 (VCV002258641.4), dbSNP rs1302566181, ClinGen allele CA397107104.

ClinVar aggregate classification (germline): Uncertain significance (1 of 4 stars; one submission).

Conditions:
Cardiovascular phenotype. Identifiers: MedGen CN230736.

Allele frequency attached by ClinVar (database versions not stated): gnomAD exomes below 0.00001; TOPMed below 0.00001.
gnomAD v4.1: 2 of 1,550,386 alleles (0.00013%); highest among the groups gnomAD compares: Non-Finnish European, 0.00017%; no homozygotes.

Submission:

Ambry Genetics
Classification: Uncertain significance for Cardiovascular phenotype. Last evaluated: 2026-03-21. Review status: criteria provided, single submitter. Criteria: Ambry Variant Classification Scheme 2023. Collection method: clinical testing. Allele origin: germline.
Comment: The p.P2244L variant (also known as c.6731C>T), located in coding exon 2 of the ZNF469 gene, results from a C to T substitution at nucleotide position 6731. The proline at codon 2244 is replaced by leucine, an amino acid with similar properties. This amino acid position is conserved. In addition, this alteration is predicted to be tolerated by in silico analysis. Based on the available evidence, the clinical significance of this variant remains unclear.